The following is an entry in ClinVar:

ClinVar aggregate classification (germline): Uncertain significance (1 of 4 stars; one submission).

Conditions:
Congenital stationary night blindness autosomal dominant 1. Also called: NIGHT BLINDNESS, CONGENITAL STATIONARY, RHODOPSIN-RELATED. Identifiers: Orphanet 215, MedGen C1864869, MONDO:0012498, OMIM 610445.

Submission:

Institute of Human Genetics, University of Goettingen
Classification: Uncertain significance for Congenital stationary night blindness autosomal dominant 1. Last evaluated: 2022-10-04. Review status: criteria provided, single submitter. Criteria: ACMG Guidelines, 2015. Collection method: clinical testing. Allele origin: unknown. Inheritance: Autosomal dominant inheritance. Observed: 1 heterozygote.
Comment: The variant c.194_205del (p.(His65_Leu68del)) in exon 1 of the RHO gene is not found in the gnomAD database and it generates an 'In-frame' deletion of four amino acids as coding effect, preserving the reading frame. ACMG criteria used for classification: PM2, PM4.

NM_000539.3(RHO):c.194_205del (p.His65_Leu68del)

Gene: RHO (rhodopsin; plus strand). Cytogenetic location: 3q22.1.
Variant type: Deletion.
Coding change: c.194_205del on transcript NM_000539.3 (MANE Select); coding-DNA positions 194 to 205, 12 bases deleted (ACAAGAAGCTGC).
Protein change: p.His65_Leu68del.
Molecular consequence: inframe deletion.
Genome position (GRCh38, 1-based): chr3:129,528,927-129,528,938, ACAAGAAGCTGC deleted; deleting any 12 consecutive bases within chr3:129,528,925-129,528,938 gives the same sequence; the c. name uses the placement nearest the transcript's 3' end. VCF-style (leftmost placement, unchanged base first): chr3-129528924-AGCACAAGAAGCT-A. GRCh37 (hg19) VCF-style: chr3-129247767-AGCACAAGAAGCT-A.
Identifiers: ClinVar variation 1707636 (VCV001707636.2), dbSNP rs2533019813, ClinGen allele CA2580068732.